The following is an entry in ClinVar:

ClinVar aggregate classification (germline): Uncertain significance (1 of 4 stars; one submission).

Conditions:
Charcot-Marie-Tooth disease type 2. Also called: Charcot-Marie-Tooth type 2. Identifiers: Orphanet 64746, MedGen C0270914, MONDO:0018993.

Submission:

Labcorp Genetics (formerly Invitae), Labcorp
Classification: Uncertain significance for Charcot-Marie-Tooth disease type 2. Last evaluated: 2020-01-30. Review status: criteria provided, single submitter. Criteria: Invitae Variant Classification Sherloc (09022015). Collection method: clinical testing. Allele origin: germline.
Comment: In summary, the available evidence is currently insufficient to determine the role of this variant in disease. Therefore, it has been classified as a Variant of Uncertain Significance. Algorithms developed to predict the effect of missense changes on protein structure and function are either unavailable or do not agree on the potential impact of this missense change (SIFT: "Tolerated"; PolyPhen-2: "Probably Damaging"; Align-GVGD: "Class C0"). This variant has not been reported in the literature in individuals with MFN2-related conditions. This variant is not present in population databases (ExAC no frequency). This sequence change replaces proline with alanine at codon 184 of the MFN2 protein (p.Pro184Ala). The proline residue is highly conserved and there is a small physicochemical difference between proline and alanine.

NM_014874.4(MFN2):c.550C>G (p.Pro184Ala)

Gene: MFN2 (mitofusin 2; plus strand). Cytogenetic location: 1p36.22.
Variant type: single nucleotide variant.
Coding change: c.550C>G on transcript NM_014874.4 (MANE Select); coding-DNA position 550, C replaced by G.
Protein change: p.Pro184Ala; replaces proline 184 with alanine.
Molecular consequence: missense variant.
Genome position (GRCh38, 1-based): chr1:11,997,372, C>G. VCF-style: chr1-11997372-C-G. GRCh37 (hg19) VCF-style: chr1-12057429-C-G.
Other names: c.550C>G, p.Pro184Ala (NM_001127660.2); short protein forms P184A.
Identifiers: ClinVar variation 835641 (VCV000835641.9), dbSNP rs1638959309, ClinGen allele CA338436702.
Genomic context (GRCh38, chr1:11,997,372, plus strand): 5'-GCCCATGCCCTCCACCAGGACAAGCAGCTCCATGCCGGCAGCCTAGTGAGTGTGATGTGG[C>G]CCAACTCTAAGTGCCCACTTCTGAAGGATGACCTCGTTTTGATGGACAGGTAAGAGGGAG-3'
Protein context (NP_055689.1, residues 174-194): HAGSLVSVMW[Pro184Ala]NSKCPLLKDD